The following is an entry in ClinVar:

ClinVar aggregate classification (germline): Benign. Review status: criteria provided, multiple submitters, no conflicts (2 of 4 stars). 2 submissions from 2 submitters: Benign (2). Last evaluated 2018-06-19.

Allele frequency attached by ClinVar (database versions not stated): gnomAD exomes 0.40956; gnomAD 0.42391 and 0.42761; TOPMed 0.43992; 1000 Genomes Project 0.50339; 1000 Genomes Project 30x 0.50547.
gnomAD v4.1: 300,569 of 727,756 alleles (41%); highest among the groups gnomAD compares: East Asian, 63%; 64,679 homozygotes.

Submissions (2):

GeneDx
Classification: Benign. Last evaluated: 2018-06-19. Review status: criteria provided, single submitter. Criteria: GeneDx Variant Classification (06012015). Collection method: clinical testing. Allele origin: germline. Affected: yes.
Comment: This variant is considered likely benign or benign based on one or more of the following criteria: it is a conservative change, it occurs at a poorly conserved position in the protein, it is predicted to be benign by multiple in silico algorithms, and/or has population frequency not consistent with disease.

Breakthrough Genomics
Classification: Benign. Review status: criteria provided, single submitter. Criteria: ACMG Guidelines, 2015. Collection method: not provided. Allele origin: germline. Inheritance: Autosomal dominant inheritance. Affected: yes.

NM_201596.3(CACNB2):c.670+120G>A

Gene: CACNB2 (calcium voltage-gated channel auxiliary subunit beta 2; plus strand). Cytogenetic location: 10p12.31.
Variant type: single nucleotide variant.
Coding change: c.670+120G>A on transcript NM_201596.3 (MANE Select); 120 bases into the intron after coding-DNA position 670, G replaced by A.
Molecular consequence: intron variant.
Genome position (GRCh38, 1-based): chr10:18,506,667, G>A. VCF-style: chr10-18506667-G-A. GRCh37 (hg19) VCF-style: chr10-18795596-G-A.
Other names: c.586+120G>A (NM_201571.4, NM_001167945.2, NM_201572.4); c.670+120G>A (NM_201593.3, NM_201597.3); c.505+120G>A (NM_000724.4, NM_001330060.2); c.508+120G>A (NM_201590.3); c.526+120G>A (NM_201570.3).
Identifiers: ClinVar variation 671829 (VCV000671829.2), dbSNP rs10741088, ClinGen allele CA13260803.